The following is an entry in ClinVar:

ClinVar aggregate classification (germline): Benign (0 of 4 stars; one submission).

Conditions:
WIPI2-related disorder. Also called: WIPI2-related condition.

Allele frequency attached by ClinVar (database versions not stated): 1000 Genomes Project 0.00879; 1000 Genomes Project 30x 0.00890; TOPMed 0.00981; ESP Exome Variant Server 0.01053; gnomAD 0.01433; gnomAD exomes 0.01757; ExAC 0.01895.
gnomAD v4.1: 27,755 of 1,614,246 alleles (1.7%); highest among the groups gnomAD compares: South Asian, 2.2%; 327 homozygotes.

Submission:

PreventionGenetics, part of Exact Sciences
Classification: Benign for WIPI2-related condition. Last evaluated: 2019-10-29. Review status: no assertion criteria provided. Collection method: clinical testing. Allele origin: germline.
Comment: This variant is classified as benign based on ACMG/AMP sequence variant interpretation guidelines (Richards et al. 2015 PMID: 25741868, with internal and published modifications).

NM_015610.4(WIPI2):c.264G>A (p.Val88=)

Gene: WIPI2 (WD repeat domain, phosphoinositide interacting 2; plus strand). Cytogenetic location: 7p22.1.
Variant type: single nucleotide variant.
Coding change: c.264G>A on transcript NM_015610.4 (MANE Select); coding-DNA position 264, G replaced by A.
Protein change: p.Val88=; no amino-acid change (valine 88 retained).
Molecular consequence: synonymous variant. On other transcripts: 5 prime UTR variant (1).
Genome position (GRCh38, 1-based): chr7:5,214,587, G>A. VCF-style: chr7-5214587-G-A. GRCh37 (hg19) VCF-style: chr7-5254218-G-A.
Other names: c.264G>A, p.Val88= (NM_001033518.2); c.210G>A, p.Val70= (NM_001033519.2, NM_016003.4); c.87G>A, p.Val29= (NM_001033520.1); c.-169G>A (NM_001278299.2).
Identifiers: ClinVar variation 3057208 (VCV003057208.2), dbSNP rs41280678, ClinGen allele CA4141637.